The following is an entry in ClinVar:

NM_003728.4(UNC5C):c.2448A>G (p.Ser816=)

Gene: UNC5C (unc-5 netrin receptor C; minus strand). Cytogenetic location: 4q22.3.
Variant type: single nucleotide variant.
Coding change: c.2448A>G on transcript NM_003728.4 (MANE Select); coding-DNA position 2448, A replaced by G.
Protein change: p.Ser816=; no amino-acid change (serine 816 retained).
Molecular consequence: synonymous variant.
Genome position (GRCh38, 1-based): chr4:95,182,900, T>C on the plus strand (A>G on the coding strand, the complement: UNC5C is on the minus strand). VCF-style: chr4-95182900-T-C. GRCh37 (hg19) VCF-style: chr4-96104051-T-C.
Identifiers: ClinVar variation 3044981 (VCV003044981.2), dbSNP rs182876652, ClinGen allele CA3015403.

ClinVar aggregate classification (germline): Likely benign (0 of 4 stars; one submission).

Conditions:
UNC5C-related disorder. Also called: UNC5C-related condition.

Allele frequency attached by ClinVar (database versions not stated): gnomAD exomes 0.00006; gnomAD 0.00007; TOPMed 0.00018; ExAC 0.00021; 1000 Genomes Project 0.00060; 1000 Genomes Project 30x 0.00062.
gnomAD v4.1: 101 of 1,611,660 alleles (0.0063%); highest among the groups gnomAD compares: East Asian, 0.18%; no homozygotes.

Submission:

PreventionGenetics, part of Exact Sciences
Classification: Likely benign for UNC5C-related condition. Last evaluated: 2019-03-28. Review status: no assertion criteria provided. Collection method: clinical testing. Allele origin: germline.
Comment: This variant is classified as likely benign based on ACMG/AMP sequence variant interpretation guidelines (Richards et al. 2015 PMID: 25741868, with internal and published modifications).